The following is an entry in ClinVar:

NM_005677.4(COLQ):c.106+226A>G

Gene: COLQ (collagen like tail subunit of asymmetric acetylcholinesterase; minus strand). Cytogenetic location: 3p25.1.
Variant type: single nucleotide variant.
Coding change: c.106+226A>G on transcript NM_005677.4 (MANE Select); 226 bases into the intron after coding-DNA position 106, A replaced by G.
Molecular consequence: intron variant.
Genome position (GRCh38, 1-based): chr3:15,521,294, T>C on the plus strand (A>G on the coding strand, the complement: COLQ is on the minus strand). VCF-style: chr3-15521294-T-C. GRCh37 (hg19) VCF-style: chr3-15562801-T-C.
Other names: c.106+226A>G (NM_080539.4).
Identifiers: ClinVar variation 679244 (VCV000679244.1), dbSNP rs6774922, ClinGen allele CA11398505.

ClinVar aggregate classification (germline): Benign (1 of 4 stars; one submission).

Allele frequency attached by ClinVar (database versions not stated): gnomAD 0.43774 and 0.43971; TOPMed 0.45965; 1000 Genomes Project 30x 0.52014; 1000 Genomes Project 0.52216.
gnomAD v4.1: 66,715 of 152,044 alleles (44%); highest among the groups gnomAD compares: East Asian, 65%; 15,807 homozygotes.

Submission:

GeneDx
Classification: Benign. Last evaluated: 2018-06-19. Review status: criteria provided, single submitter. Criteria: GeneDx Variant Classification (06012015). Collection method: clinical testing. Allele origin: germline. Affected: yes.
Comment: This variant is considered likely benign or benign based on one or more of the following criteria: it is a conservative change, it occurs at a poorly conserved position in the protein, it is predicted to be benign by multiple in silico algorithms, and/or has population frequency not consistent with disease.